The following is an entry in ClinVar:

NM_004318.4(ASPH):c.1916dup (p.Asn639fs)

Gene: ASPH (aspartate beta-hydroxylase; minus strand). Cytogenetic location: 8q12.3.
Variant type: Duplication.
Coding change: c.1916dup on transcript NM_004318.4 (MANE Select); coding-DNA position 1916, one base duplicated (A; older notation c.1916dupA).
Protein change: p.Asn639fs; shifts the reading frame from asparagine 639.
Molecular consequence: frameshift variant.
Genome position (GRCh38, 1-based): chr8:61,518,108, T duplicated on the plus strand (A on the coding strand, the reverse complement: ASPH is on the minus strand); the first of 4 consecutive T bases (chr8:61,518,108-61,518,111); duplicating any one gives the same sequence. VCF-style (leftmost placement, unchanged base first): chr8-61518107-A-AT. GRCh37 (hg19) VCF-style: chr8-62430666-A-AT.
Other names: c.1829dup, p.Asn610fs (NM_001164750.2); short protein forms N639fs, N610fs.
Identifiers: ClinVar variation 1426171 (VCV001426171.6), dbSNP rs2129619306, ClinGen allele CA2573143299.

ClinVar aggregate classification (germline): Pathogenic (1 of 4 stars; one submission).

Submission:

Labcorp Genetics (formerly Invitae), Labcorp
Classification: Pathogenic. Last evaluated: 2021-06-13. Review status: criteria provided, single submitter. Criteria: Invitae Variant Classification Sherloc (09022015). Collection method: clinical testing. Allele origin: germline.
Comment: For these reasons, this variant has been classified as Pathogenic. This variant has not been reported in the literature in individuals with ASPH-related conditions. This variant is not present in population databases (ExAC no frequency). This sequence change creates a premature translational stop signal (p.Asn639Lysfs*8) in the ASPH gene. It is expected to result in an absent or disrupted protein product. Loss-of-function variants in ASPH are known to be pathogenic (PMID: 24768550, 30194805, 30600741, 31012784).

Literature cited by the submitters: PubMed 24768550; PubMed 30194805; PubMed 30600741; PubMed 31012784.